The following is an entry in ClinVar:

ClinVar aggregate classification (germline): Uncertain significance. Review status: criteria provided, multiple submitters, no conflicts (2 of 4 stars). 2 submissions from 2 submitters: Uncertain significance (2). Last evaluated 2025-02-19.

gnomAD v4.1: 1 of 1,591,110 alleles (0.000063%); highest among the groups gnomAD compares: Non-Finnish European, 0.000086%; no homozygotes.

Submissions (2):

Women's Health and Genetics/Laboratory Corporation of America, LabCorp
Classification: Uncertain significance. Last evaluated: 2025-02-19. Review status: criteria provided, single submitter. Criteria: LabCorp Variant Classification Summary - May 2015. Collection method: clinical testing. Allele origin: germline.
Comment: Variant summary: GNAI3 c.874G>T (p.Gly292Cys) results in a non-conservative amino acid change in the encoded protein sequence. Five of five in-silico tools predict a damaging effect of the variant on protein function. Several computational tools predict a significant impact on normal splicing: Three predict the variant weakens a 5' donor site. One predict the variant abolishes a 5' splicing donor site. However, these predictions have yet to be confirmed by functional studies. The variant was absent in 245902 control chromosomes. The available data on variant occurrences in the general population are insufficient to allow any conclusion about variant significance. To our knowledge, no occurrence of c.874G>T in individuals affected with Auriculocondylar Syndrome and no experimental evidence demonstrating its impact on protein function have been reported. No submitters have cited clinical-significance assessments for this variant to ClinVar. Based on the evidence outlined above, the variant was classified as uncertain significance.

GeneDx
Classification: Uncertain significance. Last evaluated: 2024-12-05. Review status: criteria provided, single submitter. Criteria: GeneDx Variant Classification Process June 2021. Collection method: clinical testing. Allele origin: germline. Affected: yes.
Comment: Not observed at significant frequency in large population cohorts (gnomAD); In silico analysis supports that this missense variant has a deleterious effect on protein structure/function; Has not been previously published as pathogenic or benign to our knowledge; In silico analysis suggests this variant may impact gene splicing. In the absence of RNA/functional studies, the actual effect of this sequence change is unknown.

NM_006496.4(GNAI3):c.874G>T (p.Gly292Cys)

Gene: GNAI3 (G protein subunit alpha i3; plus strand). Cytogenetic location: 1p13.3.
Variant type: single nucleotide variant.
Coding change: c.874G>T on transcript NM_006496.4 (MANE Select); coding-DNA position 874, G replaced by T.
Protein change: p.Gly292Cys; replaces glycine 292 with cysteine.
Molecular consequence: missense variant.
Genome position (GRCh38, 1-based): chr1:109,586,882, G>T. VCF-style: chr1-109586882-G-T. GRCh37 (hg19) VCF-style: chr1-110129504-G-T.
Other names: short protein forms G292C.
Identifiers: ClinVar variation 3768975 (VCV003768975.2).